The following is an entry in ClinVar:

NM_000276.4(OCRL):c.1040G>A (p.Gly347Glu)

Gene: OCRL (OCRL inositol polyphosphate-5-phosphatase; plus strand). Cytogenetic location: Xq26.1.
Variant type: single nucleotide variant.
Coding change: c.1040G>A on transcript NM_000276.4 (MANE Select); coding-DNA position 1040, G replaced by A.
Protein change: p.Gly347Glu; replaces glycine 347 with glutamic acid.
Molecular consequence: missense variant.
Genome position (GRCh38, 1-based): chrX:129,562,484, G>A. VCF-style: chrX-129562484-G-A. GRCh37 (hg19) VCF-style: chrX-128696461-G-A.
Other names: c.1043G>A, p.Gly348Glu (NM_001318784.2); c.1040G>A, p.Gly347Glu (NM_001587.4); short protein forms G347E, G348E.
Identifiers: ClinVar variation 383808 (VCV000383808.3), dbSNP rs1057521742, ClinGen allele CA16608261.
Genomic context (GRCh38, chrX:129,562,484, plus strand): 5'-TTGCCAGAAAGGATCAGTGTCGATACATTCGTGATATTGCTACAGAAACAGTTGGAACTG[G>A]AATCATGGGGAAAATGGTGAGTTACTTTGGAAATGAGCTTGATTATTATTCATGTTCATG-3'
Protein context (NP_000267.2, residues 337-357): RDIATETVGT[Gly347Glu]IMGKMGNKGG

ClinVar aggregate classification (germline): Likely pathogenic. Review status: criteria provided, multiple submitters, no conflicts (2 of 4 stars). 2 submissions from 2 submitters: Likely pathogenic (2). Last evaluated 2021-07-15.

Conditions:
Dent disease type 2. Identifiers: Orphanet 1652, Orphanet 93623, MedGen C1845167, MONDO:0010359, OMIM 300555.

Submissions (2):

Johns Hopkins Genomics, Johns Hopkins University
Classification: Likely pathogenic for Dent disease type 2. Last evaluated: 2021-07-15. Review status: criteria provided, single submitter. Criteria: ACMG Guidelines, 2015. Collection method: clinical testing. Allele origin: germline.
Comment: This OCRL variant is absent from a large population dataset and has been reported in ClinVar. Three bioinformatic tools queried predict that this substitution would be damaging. The glycine residue at this position is strongly conserved across the vertebrate species assessed and occurs in a region that corresponds to the acyl chain binding site of the catalytic phosphatase domain of the OCRL protein. This variant is not predicted to affect normal exon 11 splicing, although this has not been confirmed experimentally to our knowledge. We consider this variant to be likely pathogenic.

GeneDx
Classification: Likely pathogenic. Last evaluated: 2016-02-04. Review status: criteria provided, single submitter. Criteria: GeneDx Variant Classification (06012015). Collection method: clinical testing. Allele origin: germline. Affected: yes.
Comment: A novel G347E variant that is likely pathogenic was identified in the OCRL gene. It has not been published as a pathogenic variant, nor has it been reported as a benign variant to our knowledge. The G347E variant was not observed in approximately 6500 individuals of European and African American ancestry in the NHLBI Exome Sequencing Project, indicating it is not a common benign variant in these populations. The G347E variant is a non-conservative amino acid substitution, which is likely to impact secondary protein structure as these residues differ in polarity, charge, size and/or other properties. This substitution occurs at a position that is conserved across species in a region corresponding to the acyl chain binding site of the enzyme's catalytic domain (Pirruccello and de Camilli 2012). In silico analysis predicts this variant is probably damaging to the protein structure/function. Therefore, this variant is likely pathogenic; however, the possibility that it is benign cannot be excluded.

Literature cited by the submitters: PubMed 1321346 (cited by Johns Hopkins Genomics, Johns Hopkins University); PubMed 15627218 (cited by Johns Hopkins Genomics, Johns Hopkins University); PubMed 21031565 (cited by Johns Hopkins Genomics, Johns Hopkins University); PubMed 22381590 (cited by Johns Hopkins Genomics, Johns Hopkins University); PubMed 27625797 (cited by Johns Hopkins Genomics, Johns Hopkins University).